The following is an entry in ClinVar:

ClinVar aggregate classification (germline): Uncertain significance. Review status: criteria provided, multiple submitters, no conflicts (2 of 4 stars). 2 submissions from 2 submitters: Uncertain significance (2). Last evaluated 2025-12-04.

gnomAD v4.1: 3 of 1,613,720 alleles (0.00019%); highest among the groups gnomAD compares: Non-Finnish European, 0.00025%; no homozygotes.

Submissions (2):

Women's Health and Genetics/Laboratory Corporation of America, LabCorp
Classification: Uncertain significance. Last evaluated: 2025-12-04. Review status: criteria provided, single submitter. Criteria: LabCorp Variant Classification Summary - May 2015. Collection method: clinical testing. Allele origin: germline.
Comment: Variant summary: MTMR14 c.1459A>T (p.Thr487Ser) results in a conservative amino acid change in the encoded protein sequence. Algorithms developed to predict the effect of missense changes on protein structure and function all suggest that this variant is likely to be tolerated. The variant was absent in 246384 control chromosomes. The available data on variant occurrences in the general population are insufficient to allow any conclusion about variant significance. To our knowledge, no occurrence of c.1459A>T in individuals affected with MTMR14-related conditions and no experimental evidence demonstrating its impact on protein function have been reported. No submitters have cited clinical-significance assessments for this variant to ClinVar. Based on the evidence outlined above, the variant was classified as uncertain significance.

Labcorp Genetics (formerly Invitae), Labcorp
Classification: Uncertain significance. Last evaluated: 2025-03-06. Review status: criteria provided, single submitter. Criteria: Invitae Variant Classification Sherloc (09022015). Collection method: clinical testing. Allele origin: germline.
Comment: This sequence change replaces threonine, which is neutral and polar, with serine, which is neutral and polar, at codon 487 of the MTMR14 protein (p.Thr487Ser). This variant is present in population databases (no rsID available, gnomAD 0.0009%). This variant has not been reported in the literature in individuals affected with MTMR14-related conditions. An algorithm developed to predict the effect of missense changes on protein structure and function outputs the following: PolyPhen-2: "Benign". The serine amino acid residue is found in multiple mammalian species, which suggests that this missense change does not adversely affect protein function. In summary, the available evidence is currently insufficient to determine the role of this variant in disease. Therefore, it has been classified as a Variant of Uncertain Significance.

NM_001077525.3(MTMR14):c.1795A>T (p.Thr599Ser)

Gene: MTMR14 (myotubularin related protein 14; plus strand). Cytogenetic location: 3p25.3.
Variant type: single nucleotide variant.
Coding change: c.1795A>T on transcript NM_001077525.3 (MANE Select); coding-DNA position 1795, A replaced by T.
Protein change: p.Thr599Ser; replaces threonine 599 with serine.
Molecular consequence: missense variant. On other transcripts: non-coding transcript variant (9).
Genome position (GRCh38, 1-based): chr3:9,701,815, A>T. VCF-style: chr3-9701815-A-T. GRCh37 (hg19) VCF-style: chr3-9743499-A-T.
Other names: c.1639A>T, p.Thr547Ser (NM_001077526.3); c.1864A>T, p.Thr622Ser (NM_001400518.1); c.1792A>T, p.Thr598Ser (NM_001400519.1); c.1720A>T, p.Thr574Ser (NM_001400520.1); c.1708A>T, p.Thr570Ser (NM_001400521.1); c.1636A>T, p.Thr546Ser (NM_001400522.1); c.1564A>T, p.Thr522Ser (NM_001400523.1); c.1549A>T, p.Thr517Ser (NM_001400524.1); and 19 more; short protein forms T200S, T248S, T260S, T273S, T312S, T333S, T360S, T368S.
Identifiers: ClinVar variation 4688557 (VCV004688557.2).